The following is an entry in ClinVar:

ClinVar aggregate classification (germline): Uncertain significance (1 of 4 stars; one submission).

Submission:

GeneDx
Classification: Uncertain significance. Last evaluated: 2024-08-28. Review status: criteria provided, single submitter. Criteria: GeneDx Variant Classification Process June 2021. Collection method: clinical testing. Allele origin: germline. Affected: yes.
Comment: De novo variant with confirmed parentage in a patient from a cohort of autism cases; however, additional clinical information was not included (PMID: 35982159); Not observed at significant frequency in large population cohorts (gnomAD); In silico analysis supports that this missense variant has a deleterious effect on protein structure/function; This variant is associated with the following publications: (PMID: 35982159)

NM_022552.5(DNMT3A):c.1919T>C (p.Phe640Ser)

Gene: DNMT3A (DNA methyltransferase 3 alpha; minus strand). Cytogenetic location: 2p23.3.
Variant type: single nucleotide variant.
Coding change: c.1919T>C on transcript NM_022552.5 (MANE Select); coding-DNA position 1919, T replaced by C.
Protein change: p.Phe640Ser; replaces phenylalanine 640 with serine.
Molecular consequence: missense variant. On other transcripts: non-coding transcript variant (1).
Genome position (GRCh38, 1-based): chr2:25,243,915, A>G on the plus strand (T>C on the coding strand, the complement: DNMT3A is on the minus strand). VCF-style: chr2-25243915-A-G. GRCh37 (hg19) VCF-style: chr2-25466784-A-G.
Other names: c.1463T>C, p.Phe488Ser (NM_001320893.1); c.1250T>C, p.Phe417Ser (NM_001375819.1); c.1352T>C, p.Phe451Ser (NM_153759.3); c.1919T>C, p.Phe640Ser (NM_175629.2); short protein forms F417S, F451S, F488S, F640S.
Identifiers: ClinVar variation 3766185 (VCV003766185.1).